The following is an entry in ClinVar:

ClinVar aggregate classification (germline): Uncertain significance. Review status: criteria provided, multiple submitters, no conflicts (2 of 4 stars). 4 submissions from 4 submitters: Uncertain significance (3). 1 of the submissions does not count toward it. Last evaluated 2026-06-30.

Conditions:
Cystic fibrosis (CF). Also called: MUCOVISCIDOSIS. Identifiers: Orphanet 586, MedGen C0010674, MONDO:0009061, OMIM 219700. Disease mechanism: loss of function.

Submissions (4):

Women's Health and Genetics/Laboratory Corporation of America, LabCorp
Classification: Uncertain significance. Last evaluated: 2026-06-30. Review status: criteria provided, single submitter. Criteria: LabCorp Variant Classification Summary - May 2015. Collection method: clinical testing. Allele origin: germline.
Comment: Variant summary: CFTR c.1657C>G (p.Arg553Gly) results in a non-conservative amino acid change located in the P-loop containing nucleotide triphosphate hydrolases domain (IPR027417) of the encoded protein sequence. Algorithms developed to predict the effect of missense changes on protein structure and function all suggest that this variant is likely to be disruptive. The variant was absent in 250780 control chromosomes. The available data on variant occurrences in the general population are insufficient to allow any conclusion about variant significance. c.1657C>G has been observed in individuals affected with CFTR-related conditions as well as healthy individuals (Scotet_2001, Schrijver_2016, Chetruengchai_2024). These report(s) do not provide unequivocal conclusions about association of the variant with Cystic Fibrosis. To our knowledge, no experimental evidence demonstrating an impact on protein function has been reported. The following publications have been ascertained in the context of this evaluation (PMID: 38167091, 16049310, 11168024). These report(s) do not provide unequivocal conclusions about association of the variant with disease. To our knowledge, no experimental evidence demonstrating an impact on protein function has been reported. ClinVar contains an entry for this variant (Variation ID: 53322). Based on the evidence outlined above, the variant was classified as uncertain significance.

Labcorp Genetics (formerly Invitae), Labcorp
Classification: Uncertain significance for Cystic fibrosis. Last evaluated: 2022-07-23. Review status: criteria provided, single submitter. Criteria: Invitae Variant Classification Sherloc (09022015). Collection method: clinical testing. Allele origin: germline.
Comment: This sequence change replaces arginine, which is basic and polar, with glycine, which is neutral and non-polar, at codon 553 of the CFTR protein (p.Arg553Gly). This variant is not present in population databases (gnomAD no frequency). This missense change has been observed in individual(s) with cystic fibrosis (PMID: 17825628). In at least one individual the data is consistent with being in trans (on the opposite chromosome) from a pathogenic variant. ClinVar contains an entry for this variant (Variation ID: 53322). Algorithms developed to predict the effect of missense changes on protein structure and function (SIFT, PolyPhen-2, Align-GVGD) all suggest that this variant is likely to be disruptive. In summary, the available evidence is currently insufficient to determine the role of this variant in disease. Therefore, it has been classified as a Variant of Uncertain Significance.

Ambry Genetics
Classification: Uncertain significance for Cystic fibrosis. Last evaluated: 2020-06-19. Review status: criteria provided, single submitter. Criteria: Ambry Variant Classification Scheme 2023. Collection method: clinical testing. Allele origin: germline.
Comment: The p.R553G variant (also known as c.1657C>G), located in coding exon 12 of the CFTR gene, results from a C to G substitution at nucleotide position 1657. The arginine at codon 553 is replaced by glycine, an amino acid with dissimilar properties. This variant was reported in a neonatal cystic fibrosis screening cohort, as detected in one carrier and in one case who had borderline sweat chloride levels and CFTR p.R551D also detected (F&eacute;rec C et al. Hum. Genet., 1995 Nov;96:542-8; Scotet V et al. Lancet, 2000 Sep;356:789-94; Scotet V et al. Clin. Genet., 2001 Jan;59:42-7). This amino acid position is well conserved in available vertebrate species. In addition, this alteration is predicted to be deleterious by in silico analysis. Since supporting evidence is limited at this time, the clinical significance of this alteration remains unclear.

ClinVar Staff, National Center for Biotechnology Information (NCBI)
No classification provided. Condition: CFTR-related disorders. Review status: no classification provided. Collection method: literature only. Allele origin: germline. Affected: yes. Not counted in ClinVar's aggregate classification.

Literature cited by the submitters: PubMed 16049310 (cited by Women's Health and Genetics/Laboratory Corporation of America, LabCorp); PubMed 11168024 (cited by Women's Health and Genetics/Laboratory Corporation of America, LabCorp and Ambry Genetics); PubMed 38167091 (cited by Women's Health and Genetics/Laboratory Corporation of America, LabCorp); PubMed 17825628 (cited by Labcorp Genetics (formerly Invitae), Labcorp); PubMed 11022925 (cited by Ambry Genetics); PubMed 12815607 (cited by Ambry Genetics); PubMed 8530001 (cited by Ambry Genetics); PubMed 11180668 (cited by ClinVar Staff, National Center for Biotechnology Information (NCBI)).

NM_000492.4(CFTR):c.1657C>G (p.Arg553Gly)

Genes: CFTR (CF transmembrane conductance regulator; plus strand), LOC111674475 (CFTR intron 11 enhancer; plus strand). Cytogenetic location: 7q31.2.
Variant type: single nucleotide variant.
Coding change: c.1657C>G on transcript NM_000492.4 (MANE Select); coding-DNA position 1657, C replaced by G.
Protein change: p.Arg553Gly; replaces arginine 553 with glycine.
Molecular consequence: missense variant.
Genome position (GRCh38, 1-based): chr7:117,587,811, C>G. VCF-style: chr7-117587811-C-G. GRCh37 (hg19) VCF-style: chr7-117227865-C-G.
Other names: short protein forms R553G.
Identifiers: ClinVar variation 53322 (VCV000053322.6), dbSNP rs74597325, ClinGen allele CA326583.